The following is an entry in ClinVar:

ClinVar aggregate classification (germline): Uncertain significance (1 of 4 stars; one submission).

gnomAD v4.1: 3 of 1,544,718 alleles (0.00019%); highest among the groups gnomAD compares: Non-Finnish European, 0.00027%; no homozygotes.

Submission:

Women's Health and Genetics/Laboratory Corporation of America, LabCorp
Classification: Uncertain significance. Last evaluated: 2026-02-13. Review status: criteria provided, single submitter. Criteria: LabCorp Variant Classification Summary - May 2015. Collection method: clinical testing. Allele origin: germline.
Comment: Variant summary: ACADM c.287-30A>G is located at a position not widely known to affect splicing. Consensus agreement among computation tools predict no significant impact on normal splicing. However, at least one publication reports experimental evidence that this variant affects mRNA splicing, reulsting in skipping of exon 5 in a portion of the transcripts (Holm_2022). The variant allele was found at a frequency of 3.2e-05 in 31404 control chromosomes (gnomAD). To our knowledge, no occurrence of c.287-30A>G in individuals affected with ACADM-related conditions has been reported. The following publication has been ascertained in the context of this evaluation (PMID: 34923709). No submitters have cited clinical-significance assessments for this variant to ClinVar. Based on the evidence outlined above, the variant was classified as VUS-possibly pathogenic.

Literature cited by the submitters: PubMed 34923709.

NM_000016.6(ACADM):c.287-30A>G

Gene: ACADM (acyl-CoA dehydrogenase medium chain; plus strand). Cytogenetic location: 1p31.1.
Variant type: single nucleotide variant.
Coding change: c.287-30A>G on transcript NM_000016.6 (MANE Select); 30 bases into the intron before coding-DNA position 287, A replaced by G.
Molecular consequence: intron variant.
Genome position (GRCh38, 1-based): chr1:75,733,498, A>G. VCF-style: chr1-75733498-A-G. GRCh37 (hg19) VCF-style: chr1-76199183-A-G.
Other names: c.299-30A>G (NM_001127328.3); c.386-30A>G (NM_001286043.2); c.179-30A>G (NM_001286042.2); c.-100+576A>G (NM_001286044.2).
Identifiers: ClinVar variation 4847839 (VCV004847839.1).
Genomic context (GRCh38, chr1:75,733,498, plus strand): 5'-GTCATATTGAAAGCAATTAAAATAGTTTACCTTTATTTCTATTGTGATGTACTACATATT[A>G]CAATGTGTTGAAACATTTTGATACTGTAGGAGGTCTTGGACTTGGAACTTTTGATGCTTG-3'